The following is an entry in ClinVar:

NM_013275.6(ANKRD11):c.5688C>G (p.Ala1896=)

Gene: ANKRD11 (ankyrin repeat domain 11; minus strand). Cytogenetic location: 16q24.3.
Variant type: single nucleotide variant.
Coding change: c.5688C>G on transcript NM_013275.6 (MANE Select); coding-DNA position 5688, C replaced by G.
Protein change: p.Ala1896=; no amino-acid change (alanine 1896 retained).
Molecular consequence: synonymous variant.
Genome position (GRCh38, 1-based): chr16:89,280,854, G>C on the plus strand (C>G on the coding strand, the complement: ANKRD11 is on the minus strand). VCF-style: chr16-89280854-G-C. GRCh37 (hg19) VCF-style: chr16-89347262-G-C.
Other names: c.5688C>G, p.Ala1896= (NM_001256182.2, NM_001256183.2).
Identifiers: ClinVar variation 771821 (VCV000771821.11), dbSNP rs775035859, ClinGen allele CA8241752.

ClinVar aggregate classification (germline): Likely benign. Review status: criteria provided, multiple submitters, no conflicts (2 of 4 stars). 2 submissions from 2 submitters: Likely benign (2). Last evaluated 2026-06-01.

Conditions:
KBG syndrome (KBGS). Also called: ANKRD11-Related KBG Syndrome. Identifiers: Orphanet 2332, MedGen C0220687, MONDO:0007846, OMIM 148050.

Allele frequency attached by ClinVar (database versions not stated): ExAC 0.00001; gnomAD exomes 0.00002; gnomAD 0.00004; TOPMed 0.00005.
gnomAD v4.1: 54 of 1,603,808 alleles (0.0034%); highest among the groups gnomAD compares: Admixed American, 0.01%; no homozygotes.

Submissions (2):

CeGaT Center for Human Genetics Tuebingen
Classification: Likely benign. Last evaluated: 2026-06-01. Review status: criteria provided, single submitter. Criteria: CeGaT Center For Human Genetics Tuebingen Variant Classification Criteria Version 2. Collection method: clinical testing. Allele origin: germline. Affected: yes. Observed: 2 variant alleles.
Comment: ANKRD11: BP4, BP7

Labcorp Genetics (formerly Invitae), Labcorp
Classification: Likely benign for KBG syndrome. Last evaluated: 2026-01-15. Review status: criteria provided, single submitter. Criteria: Invitae Variant Classification Sherloc (09022015). Collection method: clinical testing. Allele origin: germline.